The following is an entry in ClinVar:

NM_001291415.2(KDM6A):c.2494C>G (p.Leu832Val)

Gene: KDM6A (lysine demethylase 6A; plus strand). Cytogenetic location: Xp11.3.
Variant type: single nucleotide variant.
Coding change: c.2494C>G on transcript NM_001291415.2 (MANE Select); coding-DNA position 2494, C replaced by G.
Protein change: p.Leu832Val; replaces leucine 832 with valine.
Molecular consequence: missense variant. On other transcripts: non-coding transcript variant (1).
Genome position (GRCh38, 1-based): chrX:45,069,993, C>G. VCF-style: chrX-45069993-C-G. GRCh37 (hg19) VCF-style: chrX-44929238-C-G.
Other names: c.2359C>G, p.Leu787Val (NM_001291416.2); c.2203C>G, p.Leu735Val (NM_001291417.2); c.2101C>G, p.Leu701Val (NM_001291418.2); c.1450C>G, p.Leu484Val (NM_001291421.2); c.2338C>G, p.Leu780Val (NM_021140.4); short protein forms L484V, L701V, L735V, L780V, L787V, L832V.
Identifiers: ClinVar variation 1017190 (VCV001017190.8), dbSNP rs1429606535, ClinGen allele CA412794618.

ClinVar aggregate classification (germline): Uncertain significance (1 of 4 stars; one submission).

Conditions:
Kabuki syndrome 2 (KABUK2). Also called: KDM6A-Related Kabuki Syndrome. Identifiers: Orphanet 2322, MedGen C3275495, MONDO:0010465, OMIM 300867.

Submission:

Labcorp Genetics (formerly Invitae), Labcorp
Classification: Uncertain significance for Kabuki syndrome 2. Last evaluated: 2022-06-20. Review status: criteria provided, single submitter. Criteria: Invitae Variant Classification Sherloc (09022015). Collection method: clinical testing. Allele origin: germline.
Comment: In summary, the available evidence is currently insufficient to determine the role of this variant in disease. Therefore, it has been classified as a Variant of Uncertain Significance. Algorithms developed to predict the effect of sequence changes on RNA splicing suggest that this variant may create or strengthen a splice site. Algorithms developed to predict the effect of missense changes on protein structure and function are either unavailable or do not agree on the potential impact of this missense change (SIFT: "Deleterious"; PolyPhen-2: "Benign"; Align-GVGD: "Class C25"). ClinVar contains an entry for this variant (Variation ID: 1017190). This variant has not been reported in the literature in individuals affected with KDM6A-related conditions. This variant is not present in population databases (gnomAD no frequency). This sequence change replaces leucine, which is neutral and non-polar, with valine, which is neutral and non-polar, at codon 780 of the KDM6A protein (p.Leu780Val).